The following is an entry in ClinVar:

NM_004519.4(KCNQ3):c.679C>T (p.Arg227Ter)

Gene: KCNQ3 (potassium voltage-gated channel subfamily Q member 3; minus strand). Cytogenetic location: 8q24.22.
Variant type: single nucleotide variant.
Coding change: c.679C>T on transcript NM_004519.4 (MANE Select); coding-DNA position 679, C replaced by T.
Protein change: p.Arg227Ter; replaces arginine 227 with a stop codon.
Molecular consequence: nonsense.
Genome position (GRCh38, 1-based): chr8:132,180,255, G>A on the plus strand (C>T on the coding strand, the complement: KCNQ3 is on the minus strand). VCF-style: chr8-132180255-G-A. GRCh37 (hg19) VCF-style: chr8-133192502-G-A.
Other names: p.R227*:CGA>TGA; c.319C>T, p.Arg107Ter (NM_001204824.2); short protein forms R227*, R107*.
Identifiers: ClinVar variation 205961 (VCV000205961.12), dbSNP rs796052675, ClinGen allele CA315589.

ClinVar aggregate classification (germline): Conflicting classifications of pathogenicity. Review status: criteria provided, conflicting classifications (1 of 4 stars). 3 submissions from 3 submitters: Pathogenic (1); Likely pathogenic (1); Uncertain significance (1). Last evaluated 2026-07-25.

Conditions:
Benign neonatal seizures. Also called: Convulsions benign familial neonatal dominant form; Autosomal dominant form of benign neonatal seizures; Benign familial neonatal seizures; Benign neonatal familial convulsions; Benign familial neonatal epilepsy. Identifiers: Orphanet 1949, MedGen C0220669, MONDO:0016027.
Seizures, benign familial neonatal, 2. Also called: Seizures, benign neonatal, 2; Benign Neonatal Epilepsy 2; CONVULSIONS, BENIGN FAMILIAL NEONATAL, 2; KCNQ3-Related Self-Limited Familial Neonatal Epilepsy (SLFNE); KCNQ3-Related Benign Familial Neonatal Epilepsy. Identifiers: Orphanet 1949, MedGen C1852581, MONDO:0007366, OMIM 121201.

Allele frequency attached by ClinVar (database versions not stated): gnomAD exomes below 0.00001.

Submissions (3):

GeneDx
Classification: Uncertain significance. Last evaluated: 2026-07-25. Review status: criteria provided, single submitter. Criteria: GeneDx Variant Classification Process June 2021. Collection method: clinical testing. Allele origin: germline.
Comment: Reported as a heterozygous variant in a patient with epilepsy, although additional information about the patient phenotype and segregation are not available (PMID: 33098118); Nonsense variant predicted to result in protein truncation or nonsense mediated decay in a gene or region of a gene for which loss of function is not a well-established mechanism of disease; Not observed at significant frequency in large population cohorts (gnomAD); This variant is associated with the following publications: (PMID: 33098118)

Labcorp Genetics (formerly Invitae), Labcorp
Classification: Pathogenic for Benign neonatal seizures. Last evaluated: 2026-01-21. Review status: criteria provided, single submitter. Criteria: Invitae Variant Classification Sherloc (09022015). Collection method: clinical testing. Allele origin: germline.
Comment: This sequence change creates a premature translational stop signal (p.Arg227*) in the KCNQ3 gene. It is expected to result in an absent or disrupted protein product. Loss-of-function variants in KCNQ3 are known to be pathogenic (PMID: 29383681, 29852413). This variant is present in population databases (rs796052675, gnomAD 0.004%). This premature translational stop signal has been observed in individual(s) with epilepsy (PMID: 33098118). ClinVar contains an entry for this variant (Variation ID: 205961). For these reasons, this variant has been classified as Pathogenic.

Revvity Omics, Revvity
Classification: Likely pathogenic for Seizures, benign familial neonatal, 2. Last evaluated: 2025-02-03. Review status: criteria provided, single submitter. Criteria: ACMG Guidelines, 2015. Collection method: clinical testing. Allele origin: germline.

Literature cited by the submitters: PubMed 29383681 (cited by Labcorp Genetics (formerly Invitae), Labcorp); PubMed 29852413 (cited by Labcorp Genetics (formerly Invitae), Labcorp); PubMed 33098118 (cited by Labcorp Genetics (formerly Invitae), Labcorp).